The following is an entry in ClinVar:

NM_004456.5(EZH2):c.44G>T (p.Trp15Leu)

Gene: EZH2 (enhancer of zeste 2 polycomb repressive complex 2 subunit; minus strand). Cytogenetic location: 7q36.1.
Variant type: single nucleotide variant.
Coding change: c.44G>T on transcript NM_004456.5 (MANE Select); coding-DNA position 44, G replaced by T.
Protein change: p.Trp15Leu; replaces tryptophan 15 with leucine.
Molecular consequence: missense variant.
Genome position (GRCh38, 1-based): chr7:148,847,255, C>A on the plus strand (G>T on the coding strand, the complement: EZH2 is on the minus strand). VCF-style: chr7-148847255-C-A. GRCh37 (hg19) VCF-style: chr7-148544347-C-A.
Other names: c.44G>T, p.Trp15Leu (NM_001203247.2, NM_001203248.2, NM_001203249.2 and 1 more transcripts); short protein forms W15L.
Identifiers: ClinVar variation 989285 (VCV000989285.5), dbSNP rs760133156, ClinGen allele CA369708548.

ClinVar aggregate classification (germline): Uncertain significance. Review status: criteria provided, multiple submitters, no conflicts (2 of 4 stars). 2 submissions from 2 submitters: Uncertain significance (2). Last evaluated 2025-02-27.

Conditions:
Weaver syndrome (WVS). Also called: Weaver Smith syndrome; Overgrowth syndrome with accelerated skeletal maturation, unusual facies, and camptodactyly. Identifiers: Orphanet 3447, MedGen C0265210, MONDO:0010193, OMIM 277590.

Submissions (2):

GeneDx
Classification: Uncertain significance. Last evaluated: 2025-02-27. Review status: criteria provided, single submitter. Criteria: GeneDx Variant Classification Process June 2021. Collection method: clinical testing. Allele origin: germline. Affected: yes.
Comment: Reported in a patient with seizure, dysmorphic features, and infection in published literature (PMID: 32382396); Not observed at significant frequency in large population cohorts (gnomAD); In silico analysis supports that this missense variant has a deleterious effect on protein structure/function; This variant is associated with the following publications: (PMID: 32382396)

Illumina Laboratory Services, Illumina
Classification: Uncertain significance for Weaver syndrome. Last evaluated: 2019-06-27. Review status: criteria provided, single submitter. Criteria: ICSLVariantClassificationCriteria RUGD 01 April 2020. Collection method: clinical testing. Allele origin: unknown.
Comment: The EZH2 c.44G>T (p.Trp15Leu) variant is a missense variant. A literature search was performed for the gene, cDNA change, and amino acid change. No publications were found based on this search. This variant is not found in the Genome Aggregation Database in a region of good sequencing coverage, so the variant is presumed to be rare. Based on the limited evidence, the p.Trp15Leu variant is classified as a variant of uncertain significance for Weaver syndrome.